The following is an entry in ClinVar:

NM_006493.4(CLN5):c.173+9G>T

Genes: CLN5 (CLN5 lysosomal BMP synthase; plus strand), LOC130009913 (ATAC-STARR-seq lymphoblastoid silent region 5414; plus strand). Cytogenetic location: 13q22.3.
Variant type: single nucleotide variant.
Coding change: c.173+9G>T on transcript NM_006493.4 (MANE Select); 9 bases into the intron after coding-DNA position 173, G replaced by T.
Molecular consequence: intron variant.
Genome position (GRCh38, 1-based): chr13:76,992,280, G>T. VCF-style: chr13-76992280-G-T. GRCh37 (hg19) VCF-style: chr13-77566415-G-T.
Other names: c.320+9G>T (LRG_692t1); c.173+9G>T (NM_001366624.2).
Identifiers: ClinVar variation 379068 (VCV000379068.6), dbSNP rs931635211, ClinGen allele CA16606477.

ClinVar aggregate classification (germline): Likely benign. Review status: criteria provided, multiple submitters, no conflicts (2 of 4 stars). 2 submissions from 2 submitters: Likely benign (2). Last evaluated 2026-01-05.

Conditions:
Neuronal ceroid lipofuscinosis. Also called: Neuronal Ceroid Lipofuscinoses. Identifiers: Orphanet 216, Orphanet 79263, MedGen C0027877, MONDO:0016295. Disease mechanism: loss of function.

gnomAD v4.1: 7 of 1,552,616 alleles (0.00045%); highest among the groups gnomAD compares: African/African-American, 0.0014%; no homozygotes.

Submissions (2):

Labcorp Genetics (formerly Invitae), Labcorp
Classification: Likely benign for Neuronal ceroid lipofuscinosis. Last evaluated: 2026-01-05. Review status: criteria provided, single submitter. Criteria: Invitae Variant Classification Sherloc (09022015). Collection method: clinical testing. Allele origin: germline.

GeneDx
Classification: Likely benign. Last evaluated: 2016-06-06. Review status: criteria provided, single submitter. Criteria: GeneDx Variant Classification (06012015). Collection method: clinical testing. Allele origin: germline. Affected: yes.
Comment: This variant is considered likely benign or benign based on one or more of the following criteria: it is a conservative change, it occurs at a poorly conserved position in the protein, it is predicted to be benign by multiple in silico algorithms, and/or has population frequency not consistent with disease.